The following continues an entry in ClinVar:

NM_000402.4(G6PD):c.292G>A (p.Val98Met)

Gene: G6PD. ClinVar aggregate classification (germline): Pathogenic/Likely pathogenic. Pathogenic (31); Likely pathogenic (6).

Submissions 41 to 48 of 48:

Biochemical Molecular Genetic Laboratory, King Abdulaziz Medical City
Classification: Pathogenic for Anemia, nonspherocytic hemolytic, due to G6PD deficiency. Last evaluated: 2019-08-25. Review status: no assertion criteria provided. Collection method: clinical testing. Allele origin: germline. Affected: yes. Not counted in ClinVar's aggregate classification.

Department of Genetics, Sultan Qaboos University Hospital
Classification: Pathogenic for Anemia, nonspherocytic hemolytic, due to G6PD deficiency. Last evaluated: 2017-12-30. Review status: no assertion criteria provided. Collection method: curation. Allele origin: unknown. Affected: yes. Not counted in ClinVar's aggregate classification.

Counsyl
Classification: Pathogenic for Anemia, nonspherocytic hemolytic, due to G6PD deficiency. Last evaluated: 2015-10-15. Review status: no assertion criteria provided. Collection method: clinical testing. Allele origin: unknown. Not counted in ClinVar's aggregate classification.

Division of Human Genetics, Children's Hospital of Philadelphia
Classification: Pathogenic for Glucose-6-phosphate dehydrogenase deficiency. Last evaluated: 2015-02-20. Review status: no assertion criteria provided. Collection method: research. Allele origin: germline. Affected: no. Study: CSER-PediSeq. Not counted in ClinVar's aggregate classification.
Comment: This heterozygous variant (c.202G>A; p.Val68Met) has been reported under the name of “Asahi variant” when no other variants are present on the same haplotype; the enzymatic activity was reduced to 41% of wild type. This variant have been previously published as part of the same haplotype (A- variant) which results in reduced enzymatic activity to 10-23% of normal activity.

OMIM
Classification: other for G6PD ASAHI. Last evaluated: 2013-10-24. Review status: no assertion criteria provided. Collection method: literature only. Allele origin: germline. Not counted in ClinVar's aggregate classification.

Clinical Genetics DNA and cytogenetics Diagnostics Lab, Erasmus MC, Erasmus Medical Center
Classification: Pathogenic. Review status: no assertion criteria provided. Collection method: clinical testing. Allele origin: germline. Affected: yes. Study: VKGL Data-share Consensus. Not counted in ClinVar's aggregate classification.

Diagnostic Laboratory, Department of Genetics, University Medical Center Groningen
Classification: Pathogenic. Review status: no assertion criteria provided. Collection method: clinical testing. Allele origin: germline. Affected: yes. Study: VKGL Data-share Consensus. Not counted in ClinVar's aggregate classification.

Genome Diagnostics Laboratory, Amsterdam University Medical Center
Classification: Pathogenic. Review status: no assertion criteria provided. Collection method: clinical testing. Allele origin: germline. Affected: yes. Study: VKGL Data-share Consensus. Not counted in ClinVar's aggregate classification.

Literature cited by the submitters: PubMed 11852882 (cited by 11 submitters); PubMed 23006493 (cited by 7 submitters); PubMed 22307442 (cited by OLLIN Analises Genomicas, OLLIN); PubMed 9674740 (cited by OLLIN Analises Genomicas, OLLIN); PubMed 27287612 (cited by OLLIN Analises Genomicas, OLLIN); PubMed 263378 (cited by OLLIN Analises Genomicas, OLLIN); PubMed 1206491 (cited by OLLIN Analises Genomicas, OLLIN); PubMed 10747271 (cited by OLLIN Analises Genomicas, OLLIN); PubMed 25201310 (cited by 9 submitters); PubMed 1303173 (cited by 11 submitters); PubMed 24505519 (cited by 4 submitters); PubMed 2572288 (cited by 5 submitters); PubMed 21153663 (cited by Dasa and Division of Human Genetics, Children's Hospital of Philadelphia); PubMed 23144702 (cited by 3 submitters); PubMed 3393536 (cited by 7 submitters); PubMed 21931771 (cited by Dasa and Division of Human Genetics, Children's Hospital of Philadelphia); PubMed 22293322 (cited by Center for Genomic Medicine, Rigshospitalet, Copenhagen University Hospital); PubMed 32702756 (cited by Center for Genomic Medicine, Rigshospitalet, Copenhagen University Hospital); PubMed 36150187 (cited by Department of Molecular Genetics, Istishari Arab Hospital and Johns Hopkins Genomics, Johns Hopkins University); PubMed 34620237 (cited by Department of Molecular Genetics, Istishari Arab Hospital and Dunham Lab, University of Washington); PubMed 32387609 (cited by 3 submitters); PubMed 33072997 (cited by 3billion); PubMed 33069889 (cited by 3billion); PubMed 2321910 (cited by Rady Children's Institute for Genomic Medicine, Rady Children's Hospital San Diego); PubMed 2836867 (cited by 3 submitters); PubMed 4359638 (cited by 3 submitters); PubMed 7949118 (cited by Rady Children's Institute for Genomic Medicine, Rady Children's Hospital San Diego); PubMed 8611726 (cited by Rady Children's Institute for Genomic Medicine, Rady Children's Hospital San Diego); PubMed 8808605 (cited by Rady Children's Institute for Genomic Medicine, Rady Children's Hospital San Diego); PubMed 9858856 (cited by Rady Children's Institute for Genomic Medicine, Rady Children's Hospital San Diego); PubMed 10734064 (cited by 4 submitters); PubMed 12737938 (cited by Rady Children's Institute for Genomic Medicine, Rady Children's Hospital San Diego); PubMed 16356170 (cited by Rady Children's Institute for Genomic Medicine, Rady Children's Hospital San Diego and Labcorp Genetics (formerly Invitae), Labcorp); PubMed 18177777 (cited by Rady Children's Institute for Genomic Medicine, Rady Children's Hospital San Diego); PubMed 21479984 (cited by Rady Children's Institute for Genomic Medicine, Rady Children's Hospital San Diego and Laboratory for Molecular Medicine, Mass General Brigham Personalized Medicine); PubMed 26633385 (cited by Rady Children's Institute for Genomic Medicine, Rady Children's Hospital San Diego); PubMed 27040960 (cited by Rady Children's Institute for Genomic Medicine, Rady Children's Hospital San Diego and Laboratory for Molecular Medicine, Mass General Brigham Personalized Medicine); PubMed 29262208 (cited by Rady Children's Institute for Genomic Medicine, Rady Children's Hospital San Diego); PubMed 29298156 (cited by Rady Children's Institute for Genomic Medicine, Rady Children's Hospital San Diego); PubMed 29493437 (cited by Rady Children's Institute for Genomic Medicine, Rady Children's Hospital San Diego); PubMed 29850382 (cited by Rady Children's Institute for Genomic Medicine, Rady Children's Hospital San Diego); PubMed 30045279 (cited by 3 submitters); PubMed 32448501 (cited by Rady Children's Institute for Genomic Medicine, Rady Children's Hospital San Diego); PubMed 33636823 (cited by 4 submitters); PubMed 28512736 (cited by Laboratory for Molecular Medicine, Mass General Brigham Personalized Medicine); PubMed 28756180 (cited by Women's Health and Genetics/Laboratory Corporation of America, LabCorp and Dunham Lab, University of Washington); PubMed 17018380 (cited by Dunham Lab, University of Washington); PubMed 18677765 (cited by Illumina Laboratory Services, Illumina); PubMed 1924316 (cited by Illumina Laboratory Services, Illumina); PubMed 23057857 (cited by Illumina Laboratory Services, Illumina); PubMed 6015571 (cited by Labcorp Genetics (formerly Invitae), Labcorp); PubMed 5448 (cited by UNC Molecular Genetics  Laboratory, University of North Carolina at Chapel Hill); PubMed 7959686 (cited by Counsyl).